The following is an entry in ClinVar:

ClinVar aggregate classification (germline): Pathogenic/Likely pathogenic. Review status: criteria provided, multiple submitters, no conflicts (2 of 4 stars). 3 submissions from 3 submitters: Pathogenic (2); Likely pathogenic (1). Last evaluated 2025-11-11.

Conditions:
Combined immunodeficiency with skin granulomas. Identifiers: Orphanet 157949, MedGen C2673536, MONDO:0009306, OMIM 233650.
Severe combined immunodeficiency, autosomal recessive, T cell-negative, B cell-negative, NK cell-positive. Also called: SCID, AR, T-cell negative, B-cell negative, NK cell-positive; Severe combined immunodeficiency due to complete RAG1/2 deficiency; SCID, T CELL-NEGATIVE, B CELL-NEGATIVE, NK CELL-POSITIVE. Identifiers: Orphanet 331206, MedGen C1832322, MONDO:0011086, OMIM 601457.
Recombinase activating gene 2 deficiency. Also called: RAG2 deficiency. Identifiers: MedGen CN257931, MONDO:0000573.

Submissions (3):

Myriad Genetics, Inc.
Classification: Pathogenic for Recombinase activating gene 2 deficiency. Last evaluated: 2025-11-11. Review status: criteria provided, single submitter. Criteria: Myriad Autosomal Dominant, Autosomal Recessive and X-Linked Classification Criteria (2023). Collection method: clinical testing. Allele origin: unknown.
Comment: NM_001243785.1(RAG2):c.951G>A(W317*) is a nonsense variant classified as pathogenic in the context of severe combined immunodeficiency, RAG2-related. W317* has not been observed in cases with relevant disease. Relevant functional assessments of this variant are not available in the literature. W317* has not been observed in referenced population frequency databases. In summary, NM_001243785.1(RAG2):c.951G>A(W317*) is a nonsense variant in a gene where loss of function is a known mechanism of disease and is predicted to disrupt protein function. Please note: this variant was assessed in the context of healthy population screening.

Baylor Genetics
Classification: Likely pathogenic for Combined immunodeficiency with skin granulomas. Last evaluated: 2023-07-20. Review status: criteria provided, single submitter. Criteria: ACMG Guidelines, 2015. Collection method: clinical testing. Allele origin: unknown.

Labcorp Genetics (formerly Invitae), Labcorp
Classification: Pathogenic for Combined immunodeficiency with skin granulomas; Severe combined immunodeficiency, autosomal recessive, T cell-negative, B cell-negative, NK cell-positive. Last evaluated: 2023-04-25. Review status: criteria provided, single submitter. Criteria: Invitae Variant Classification Sherloc (09022015). Collection method: clinical testing. Allele origin: germline.
Comment: For these reasons, this variant has been classified as Pathogenic. This variant disrupts a region of the RAG2 protein in which other variant(s) (p.Glu480*) have been determined to be pathogenic (PMID: 21624848, 29772310). This suggests that this is a clinically significant region of the protein, and that variants that disrupt it are likely to be disease-causing. This variant has not been reported in the literature in individuals affected with RAG2-related conditions. This variant is not present in population databases (gnomAD no frequency). This sequence change creates a premature translational stop signal (p.Trp317*) in the RAG2 gene. While this is not anticipated to result in nonsense mediated decay, it is expected to disrupt the last 211 amino acid(s) of the RAG2 protein.

Literature cited by the submitters: PubMed 21624848 (cited by Labcorp Genetics (formerly Invitae), Labcorp); PubMed 29772310 (cited by Labcorp Genetics (formerly Invitae), Labcorp).

NM_000536.4(RAG2):c.951G>A (p.Trp317Ter)

Gene: RAG2 (recombination activating 2; minus strand). Cytogenetic location: 11p12.
Variant type: single nucleotide variant.
Coding change: c.951G>A on transcript NM_000536.4 (MANE Select); coding-DNA position 951, G replaced by A.
Protein change: p.Trp317Ter; replaces tryptophan 317 with a stop codon.
Molecular consequence: nonsense.
Genome position (GRCh38, 1-based): chr11:36,593,218, C>T on the plus strand (G>A on the coding strand, the complement: RAG2 is on the minus strand). VCF-style: chr11-36593218-C-T. GRCh37 (hg19) VCF-style: chr11-36614768-C-T.
Other names: c.951G>A, p.Trp317Ter (NM_001243785.2, NM_001243786.2); short protein forms W317*.
Identifiers: ClinVar variation 2678214 (VCV002678214.5), dbSNP rs2494791806, ClinGen allele CA380141631.